The following is an entry in ClinVar:

ClinVar aggregate classification (germline): Uncertain significance (1 of 4 stars; one submission).

Submission:

GeneDx
Classification: Uncertain significance. Last evaluated: 2024-11-21. Review status: criteria provided, single submitter. Criteria: GeneDx Variant Classification Process June 2021. Collection method: clinical testing. Allele origin: germline. Affected: yes.
Comment: Not observed at significant frequency in large population cohorts (gnomAD); In silico analysis supports that this missense variant has a deleterious effect on protein structure/function; Has not been previously published as pathogenic or benign to our knowledge

NM_015189.3(EXOC6B):c.611A>G (p.Asp204Gly)

Gene: EXOC6B (exocyst complex component 6B; minus strand). Cytogenetic location: 2p13.2.
Variant type: single nucleotide variant.
Coding change: c.611A>G on transcript NM_015189.3 (MANE Select); coding-DNA position 611, A replaced by G.
Protein change: p.Asp204Gly; replaces aspartic acid 204 with glycine.
Molecular consequence: missense variant. On other transcripts: non-coding transcript variant (2).
Genome position (GRCh38, 1-based): chr2:72,718,161, T>C on the plus strand (A>G on the coding strand, the complement: EXOC6B is on the minus strand). VCF-style: chr2-72718161-T-C. GRCh37 (hg19) VCF-style: chr2-72945290-T-C.
Other names: c.611A>G, p.Asp204Gly (NM_001321729.2, NM_001321730.2, NM_001321731.2 and 1 more transcripts); c.272A>G, p.Asp91Gly (NM_001321734.2); short protein forms D204G, D91G.
Identifiers: ClinVar variation 2574186 (VCV002574186.2), dbSNP rs2468581881, ClinGen allele CA347432635.